The following is an entry in ClinVar:

ClinVar aggregate classification (germline): Benign/Likely benign. Review status: criteria provided, multiple submitters, no conflicts (2 of 4 stars). 2 submissions from 2 submitters: Benign (1); Likely benign (1). Last evaluated 2026-06-26.

Conditions:
CEP290-related disorder. Also called: CEP290-related condition; CEP290-related disorders. Identifiers: MedGen CN239314.

Allele frequency attached by ClinVar (database versions not stated): gnomAD 0.00764 and 0.00820; TOPMed 0.00840; 1000 Genomes Project 0.00938; 1000 Genomes Project 30x 0.00999.
gnomAD v4.1: 1,147 of 152,086 alleles (0.75%); highest among the groups gnomAD compares: African/African-American, 2.7%; 20 homozygotes.

Submissions (2):

PreventionGenetics, part of Exact Sciences
Classification: Benign for CEP290-related condition. Last evaluated: 2026-06-26. Review status: criteria provided, single submitter. Criteria: ACMG Guidelines, 2015. Collection method: clinical testing. Allele origin: germline.
Comment: This variant is classified as benign based on ACMG/AMP sequence variant interpretation guidelines (Richards et al. 2015 PMID: 25741868, with internal and published modifications).

GeneDx
Classification: Likely benign. Last evaluated: 2018-07-21. Review status: criteria provided, single submitter. Criteria: GeneDx Variant Classification Process June 2021. Collection method: clinical testing. Allele origin: germline. Affected: yes.

NM_025114.4(CEP290):c.5710-159C>T

Gene: CEP290 (centrosomal protein 290; minus strand). Cytogenetic location: 12q21.32.
Variant type: single nucleotide variant.
Coding change: c.5710-159C>T on transcript NM_025114.4 (MANE Select); 159 bases into the intron before coding-DNA position 5710, C replaced by T.
Molecular consequence: intron variant.
Genome position (GRCh38, 1-based): chr12:88,072,085, G>A on the plus strand (C>T on the coding strand, the complement: CEP290 is on the minus strand). VCF-style: chr12-88072085-G-A. GRCh37 (hg19) VCF-style: chr12-88465862-G-A.
Other names: c.5710-159C>T (NM_025114.3).
Identifiers: ClinVar variation 1192024 (VCV001192024.3), dbSNP rs115166743, ClinGen allele CA241150804.